The following is an entry in ClinVar:

NM_000448.2(RAG1):c.[1681C>T;1815G>C]

Variant type: Haplotype.
Identifiers: ClinVar variation 624575 (VCV000624575.3).

ClinVar aggregate classification (germline): Pathogenic (0 of 4 stars; one submission).

Conditions:
Severe combined immunodeficiency, autosomal recessive, T cell-negative, B cell-negative, NK cell-positive. Also called: SCID, T CELL-NEGATIVE, B CELL-NEGATIVE, NK CELL-POSITIVE; SCID, AR, T-cell negative, B-cell negative, NK cell-positive; Severe combined immunodeficiency due to complete RAG1/2 deficiency. Identifiers: Orphanet 331206, MedGen C1832322, MONDO:0011086, OMIM 601457.

Submission:

Laboratory of Pediatric Immunoinfectivology, Tor Vergata University
Classification: Pathogenic for Severe combined immunodeficiency, autosomal recessive, T cell-negative, B cell-negative, NK cell-positive. Last evaluated: 2019-02-28. Review status: no assertion criteria provided. Collection method: clinical testing. Allele origin: germline. Affected: yes.
Comment: SCID (Severe Combined Immunodeficiency) T+B-NK+; Hyper-IgM

RAG1base: R0095

Literature cited by the submitters: PubMed 28769923; DOI 10.3389/fimmu.2019.00316.